The following is an entry in ClinVar:

ClinVar aggregate classification (germline): Uncertain significance. Review status: criteria provided, multiple submitters, no conflicts (2 of 4 stars). 2 submissions from 2 submitters: Uncertain significance (2). Last evaluated 2025-01-02.

Conditions:
Hereditary cancer-predisposing syndrome. Also called: Tumor predisposition; Hereditary neoplastic syndrome; Neoplastic Syndromes, Hereditary; Hereditary Cancer Syndrome. Identifiers: Orphanet 140162, MedGen C0027672, MeSH D009386, MONDO:0015356.

Submissions (2):

Ambry Genetics
Classification: Uncertain significance for Hereditary cancer-predisposing syndrome. Last evaluated: 2025-01-02. Review status: criteria provided, single submitter. Criteria: Ambry Variant Classification Scheme 2023. Collection method: clinical testing. Allele origin: germline.
Comment: The p.A322P variant (also known as c.964G>C), located in coding exon 4 of the MSH6 gene, results from a G to C substitution at nucleotide position 964. The alanine at codon 322 is replaced by proline, an amino acid with highly similar properties. This amino acid position is not well conserved in available vertebrate species. In addition, this alteration is predicted to be tolerated by in silico analysis. Based on the available evidence, the clinical significance of this variant remains unclear.

CeGaT Center for Human Genetics Tuebingen
Classification: Uncertain significance. Last evaluated: 2024-10-01. Review status: criteria provided, single submitter. Criteria: CeGaT Center For Human Genetics Tuebingen Variant Classification Criteria Version 2. Collection method: clinical testing. Allele origin: germline. Affected: yes. Observed: 1 variant allele.
Comment: MSH6: PM2, BP1

NM_000179.3(MSH6):c.964G>C (p.Ala322Pro)

Gene: MSH6 (mutS homolog 6; plus strand). Cytogenetic location: 2p16.3.
Variant type: single nucleotide variant.
Coding change: c.964G>C on transcript NM_000179.3 (MANE Select); coding-DNA position 964, G replaced by C.
Protein change: p.Ala322Pro; replaces alanine 322 with proline.
Molecular consequence: missense variant.
Genome position (GRCh38, 1-based): chr2:47,798,947, G>C. VCF-style: chr2-47798947-G-C. GRCh37 (hg19) VCF-style: chr2-48026086-G-C.
Other names: c.574G>C, p.Ala192Pro (NM_001281492.2); c.58G>C, p.Ala20Pro (NM_001281493.2, NM_001281494.2); short protein forms A20P, A322P, A192P.
Identifiers: ClinVar variation 823381 (VCV000823381.19), dbSNP rs772126419, ClinGen allele CA346740914.